The following is an entry in ClinVar:

ClinVar aggregate classification (germline): Likely pathogenic (1 of 4 stars; one submission).

Conditions:
Loeys-Dietz syndrome 4 (LDS4). Also called: ANEURYSM, AORTIC AND CEREBRAL, WITH ARTERIAL TORTUOSITY AND SKELETAL MANIFESTATIONS; TGFB2-Related Loeys-Dietz Syndrome. Identifiers: MedGen C3553762, MONDO:0013897, OMIM 614816.

Submission:

Labcorp Genetics (formerly Invitae), Labcorp
Classification: Likely pathogenic for Loeys-Dietz syndrome 4. Last evaluated: 2017-12-17. Review status: criteria provided, single submitter. Criteria: Invitae Variant Classification Sherloc (09022015). Collection method: clinical testing. Allele origin: germline.
Comment: This sequence change affects an acceptor splice site in intron 4 of the TGFB2 gene. It is expected to disrupt RNA splicing and likely results in an absent or disrupted protein product. This variant is not present in population databases (ExAC no frequency). This variant has not been reported in the literature in individuals with TGFB2-related disease. Algorithms developed to predict the effect of sequence changes on RNA splicing suggest that this variant may disrupt the consensus splice site, but this prediction has not been confirmed by published transcriptional studies. Donor and acceptor splice site variants typically lead to a loss of protein function (PMID: 16199547), and loss-of-function variants in TGFB2 are known to be pathogenic (PMID: 22772371, 22772368). In summary, the currently available evidence indicates that the variant is pathogenic, but additional data are needed to prove that conclusively. Therefore, this variant has been classified as Likely Pathogenic.

Literature cited by the submitters: PubMed 16199547; PubMed 22772371; PubMed 22772368.

NM_003238.6(TGFB2):c.755-5_755-2delinsG

Gene: TGFB2 (transforming growth factor beta 2; plus strand). Cytogenetic location: 1q41.
Variant type: Indel.
Coding change: c.755-5_755-2delinsG on transcript NM_003238.6 (MANE Select); 5 bases into the intron before coding-DNA position 755 through the canonical splice acceptor site of the intron before coding-DNA position 755, TCAA replaced by G.
Molecular consequence: splice acceptor variant.
Genome position (GRCh38, 1-based): chr1:218,435,965-218,435,968, TCAA replaced by G. VCF-style: chr1-218435965-TCAA-G. GRCh37 (hg19) VCF-style: chr1-218609307-TCAA-G.
Other names: c.839-5_839-2delinsG (NM_001135599.4).
Identifiers: ClinVar variation 528887 (VCV000528887.10), dbSNP rs1553303161, ClinGen allele CA658795609.